The following is an entry in ClinVar:

ClinVar aggregate classification (germline): Likely pathogenic (1 of 4 stars; one submission).

Conditions:
Primary ciliary dyskinesia 3. Identifiers: Orphanet 244, MedGen C1837618, MONDO:0012085, OMIM 608644.

Submission:

Myriad Genetics, Inc.
Classification: Likely pathogenic for Primary ciliary dyskinesia 3. Last evaluated: 2022-03-02. Review status: criteria provided, single submitter. Criteria: Myriad Women's Health Autosomal Recessive and X-Linked Classification Criteria (2021). Collection method: clinical testing. Allele origin: unknown.
Comment: NM_001369.2(DNAH5):c.421_422ins11(P141Lfs*12) is expected to be pathogenic in the context of DNAH5-related primary ciliary dyskinesia. This variant is predicted to lead to an abnormal or absent protein product due to the creation of a premature termination codon in DNAH5, a gene where loss-of-function variants are known to be pathogenic. Please note: this variant was assessed in the context of healthy population screening.

NM_001369.3(DNAH5):c.421_422insTGTCTCTTATA (p.Pro141fs)

Gene: DNAH5 (dynein axonemal heavy chain 5; minus strand). Cytogenetic location: 5p15.2.
Variant type: Insertion.
Coding change: c.421_422insTGTCTCTTATA on transcript NM_001369.3 (MANE Select); coding-DNA positions 421 to 422, TGTCTCTTATA inserted.
Protein change: p.Pro141fs; shifts the reading frame from proline 141.
Molecular consequence: frameshift variant.
Genome position: GRCh38 VCF-style: chr5-13923296-G-GTATAAGAGACA. GRCh37 (hg19) VCF-style: chr5-13923405-G-GTATAAGAGACA.
Other names: short protein forms P141fs.
Identifiers: ClinVar variation 1724881 (VCV001724881.2), dbSNP rs2547159869, ClinGen allele CA2580072131.